The following is an entry in ClinVar:

ClinVar aggregate classification (germline): Pathogenic/Likely pathogenic. Review status: criteria provided, multiple submitters, no conflicts (2 of 4 stars). 3 submissions from 3 submitters: Pathogenic (1); Likely pathogenic (2). Last evaluated 2025-12-03.

Conditions:
Spastic paraplegia. Identifiers: MedGen C0037772, HP:0001258.
VAMP1-related disorder. Also called: VAMP1-related condition; VAMP1-Related Disorders.

gnomAD v4.1: 4 of 1,613,908 alleles (0.00025%); highest among the groups gnomAD compares: Non-Finnish European, 0.00034%; no homozygotes.

Submissions (3):

Labcorp Genetics (formerly Invitae), Labcorp
Classification: Likely pathogenic for Spastic paraplegia. Last evaluated: 2025-12-03. Review status: criteria provided, single submitter. Criteria: Invitae Variant Classification Sherloc (09022015). Collection method: clinical testing. Allele origin: germline.
Comment: This sequence change affects a donor splice site in intron 2 of the VAMP1 gene. It is expected to disrupt RNA splicing. Variants that disrupt the donor or acceptor splice site typically lead to a loss of protein function (PMID: 16199547), and loss-of-function variants in VAMP1 are known to be pathogenic (PMID: 28253535). This variant is not present in population databases (gnomAD no frequency). This variant has not been reported in the literature in individuals affected with VAMP1-related conditions. Algorithms developed to predict the effect of sequence changes on RNA splicing suggest that this variant may disrupt the consensus splice site. In summary, the currently available evidence indicates that the variant is pathogenic, but additional data are needed to prove that conclusively. Therefore, this variant has been classified as Likely Pathogenic.

Dasa
Classification: Pathogenic. Last evaluated: 2025-03-05. Review status: criteria provided, single submitter. Criteria: DASA Assertion Criteria. Collection method: clinical testing. Allele origin: germline.
Comment: NM_014231.5(VAMP1):c.129+2T>G introduces a premature termination codon predicted to result in loss of normal protein function. Loss-of-function is an established mechanism of disease for this gene. This variant results in the same amino acid change as a previously established pathogenic variant. The variant is present at low frequency in population datasets. Based on the available data, this variant is classified as pathogenic.

Blueprint Genetics
Classification: Likely pathogenic for VAMP1-related disorders. Last evaluated: 2023-10-20. Review status: criteria provided, single submitter. Criteria: ACMG Guidelines, 2015. Collection method: clinical testing. Allele origin: germline. Affected: yes. Observed: 1 variant allele.

Literature cited by the submitters: PubMed 16199547 (cited by Labcorp Genetics (formerly Invitae), Labcorp); PubMed 28253535 (cited by Labcorp Genetics (formerly Invitae), Labcorp).

NM_014231.5(VAMP1):c.129+2T>G

Genes: TAPBPL (TAP binding protein like; plus strand), VAMP1 (vesicle associated membrane protein 1; minus strand). Cytogenetic location: 12p13.31.
Variant type: single nucleotide variant.
Coding change: c.129+2T>G on transcript NM_014231.5 (MANE Select); the canonical splice donor site of the intron after coding-DNA position 129, T replaced by G.
Molecular consequence: splice donor variant.
Genome position (GRCh38, 1-based): chr12:6,466,223, A>C on the plus strand (T>G on the coding strand, the complement: VAMP1 is on the minus strand). VCF-style: chr12-6466223-A-C. GRCh37 (hg19) VCF-style: chr12-6575389-A-C.
Other names: c.129+2T>G (NM_016830.4, NM_001297438.2, NM_199245.3).
Identifiers: ClinVar variation 4771265 (VCV004771265.3).
Genomic context (GRCh38, chr12:6,466,223, plus strand): 5'-GTTCCCTTTTGTTTCCAAACTCCTAGATTTGGAAACTTTCAGAGAAACAGCTATCTACCT[A>C]CCTCCTCCACTTGTGCCTGGGTTTGCTGTAGTCGTCTGTTACTGGTCATGTTAGGAGGAG-3'